The following is an entry in ClinVar:

ClinVar aggregate classification (germline): Uncertain significance. Review status: criteria provided, multiple submitters, no conflicts (2 of 4 stars). 2 submissions from 2 submitters: Uncertain significance (2). Last evaluated 2025-11-12.

Conditions:
FG syndrome (FGS). Identifiers: MedGen C0220769, MONDO:0002010.

gnomAD v4.1: 1 of 1,211,223 alleles (0.000083%); highest among the groups gnomAD compares: Non-Finnish European, 0.00011%; no homozygotes.

Submissions (2):

GeneDx
Classification: Uncertain significance. Last evaluated: 2025-11-12. Review status: criteria provided, single submitter. Criteria: GeneDx Variant Classification Process June 2021. Collection method: clinical testing. Allele origin: germline. Affected: yes.
Comment: Identified in a patient with pulmonary stenosis, patent ductus arteriosus, patent foramen ovale, and intellectual disability in published literature (PMID: 29910053); Not observed at significant frequency in large population cohorts (gnomAD); In silico analysis supports that this missense variant has a deleterious effect on protein structure/function; This variant is associated with the following publications: (PMID: 29910053)

Labcorp Genetics (formerly Invitae), Labcorp
Classification: Uncertain significance for FG syndrome. Last evaluated: 2025-10-16. Review status: criteria provided, single submitter. Criteria: Invitae Variant Classification Sherloc (09022015). Collection method: clinical testing. Allele origin: germline.
Comment: This sequence change replaces asparagine, which is neutral and polar, with serine, which is neutral and polar, at codon 1591 of the MED12 protein (p.Asn1591Ser). This variant is not present in population databases (gnomAD no frequency). This variant has not been reported in the literature in individuals affected with MED12-related conditions. ClinVar contains an entry for this variant (Variation ID: 1695448). Invitae Evidence Modeling of protein sequence and biophysical properties (such as structural, functional, and spatial information, amino acid conservation, physicochemical variation, residue mobility, and thermodynamic stability) indicates that this missense variant is not expected to disrupt MED12 protein function with a negative predictive value of 95%. In summary, the available evidence is currently insufficient to determine the role of this variant in disease. Therefore, it has been classified as a Variant of Uncertain Significance.

NM_005120.3(MED12):c.4772A>G (p.Asn1591Ser)

Gene: MED12 (mediator complex subunit 12; plus strand). Cytogenetic location: Xq13.1.
Variant type: single nucleotide variant.
Coding change: c.4772A>G on transcript NM_005120.3 (MANE Select); coding-DNA position 4772, A replaced by G.
Protein change: p.Asn1591Ser; replaces asparagine 1591 with serine.
Molecular consequence: missense variant.
Genome position (GRCh38, 1-based): chrX:71,134,757, A>G. VCF-style: chrX-71134757-A-G. GRCh37 (hg19) VCF-style: chrX-70354607-A-G.
Other names: short protein forms N1591S.
Identifiers: ClinVar variation 1695448 (VCV001695448.8), dbSNP rs2147822394, ClinGen allele CA413532315.